The following is an entry in ClinVar:

ClinVar aggregate classification (germline): Uncertain significance (1 of 4 stars; one submission).

Conditions:
Deficiency of alpha-mannosidase (MANSA). Also called: Alpha-Mannosidosis; Mannosidosis, alpha-, types I and II; LYSOSOMAL ALPHA-D-MANNOSIDASE DEFICIENCY. Identifiers: Orphanet 61, MedGen C0024748, MONDO:0009561, OMIM 248500.

Submission:

Labcorp Genetics (formerly Invitae), Labcorp
Classification: Uncertain significance for Deficiency of alpha-mannosidase. Last evaluated: 2022-07-30. Review status: criteria provided, single submitter. Criteria: Invitae Variant Classification Sherloc (09022015). Collection method: clinical testing. Allele origin: germline.
Comment: In summary, the available evidence is currently insufficient to determine the role of this variant in disease. Therefore, it has been classified as a Variant of Uncertain Significance. Algorithms developed to predict the effect of missense changes on protein structure and function are either unavailable or do not agree on the potential impact of this missense change (SIFT: "Deleterious"; PolyPhen-2: "Probably Damaging"; Align-GVGD: "Class C0"). This variant has not been reported in the literature in individuals affected with MAN2B1-related conditions. This variant is not present in population databases (gnomAD no frequency). This sequence change replaces leucine, which is neutral and non-polar, with methionine, which is neutral and non-polar, at codon 914 of the MAN2B1 protein (p.Leu914Met).

NM_000528.4(MAN2B1):c.2740C>A (p.Leu914Met)

Genes: MAN2B1 (mannosidase alpha class 2B member 1; minus strand), LOC130063648 (ATAC-STARR-seq lymphoblastoid active region 14063; plus strand). Cytogenetic location: 19p13.13.
Variant type: single nucleotide variant.
Coding change: c.2740C>A on transcript NM_000528.4 (MANE Select); coding-DNA position 2740, C replaced by A.
Protein change: p.Leu914Met; replaces leucine 914 with methionine.
Molecular consequence: missense variant.
Genome position (GRCh38, 1-based): chr19:12,647,523, G>T on the plus strand (C>A on the coding strand, the complement: MAN2B1 is on the minus strand). VCF-style: chr19-12647523-G-T. GRCh37 (hg19) VCF-style: chr19-12758337-G-T.
Other names: c.2737C>A, p.Leu913Met (NM_001173498.2); short protein forms L913M, L914M.
Identifiers: ClinVar variation 1714489 (VCV001714489.6), dbSNP rs2512484930, ClinGen allele CA404237952.